The following is an entry in ClinVar:

NM_000112.4(SLC26A2):c.472C>T (p.Arg158Cys)

Gene: SLC26A2 (solute carrier family 26 member 2; plus strand). Cytogenetic location: 5q32.
Variant type: single nucleotide variant.
Coding change: c.472C>T on transcript NM_000112.4 (MANE Select); coding-DNA position 472, C replaced by T.
Protein change: p.Arg158Cys; replaces arginine 158 with cysteine.
Molecular consequence: missense variant.
Genome position (GRCh38, 1-based): chr5:149,978,124, C>T. VCF-style: chr5-149978124-C-T. GRCh37 (hg19) VCF-style: chr5-149357687-C-T.
Other names: short protein forms R158C.
Identifiers: ClinVar variation 1410629 (VCV001410629.7), dbSNP rs762787339, ClinGen allele CA3505254.
Genomic context (GRCh38, chr5:149,978,124, plus strand): 5'-GTCTATGGTCTGTACACATCTTTTTTTGCCAGCATCATTTATTTTCTCTTGGGTACCTCC[C>T]GTCACATCTCTGTGGGCATTTTTGGAGTACTGTGCCTTATGATTGGTGAGACAGTTGACC-3'
Protein context (NP_000103.2, residues 148-168): SIIYFLLGTS[Arg158Cys]HISVGIFGVL

ClinVar aggregate classification (germline): Uncertain significance. Review status: criteria provided, multiple submitters, no conflicts (2 of 4 stars). 2 submissions from 2 submitters: Uncertain significance (2). Last evaluated 2025-01-14.

Conditions:
Achondrogenesis, type IB (ACG1B). Also called: Achondrogenesis Type 1B. Identifiers: Orphanet 932, Orphanet 93298, MedGen C0265274, MONDO:0010966, OMIM 600972.
Atelosteogenesis type II (AO2). Also called: NEONATAL OSSEOUS DYSPLASIA I; Neonatal osseous dysplasia 1; SLC26A2-Related Atelosteogenesis. Identifiers: Orphanet 56304, MedGen C1850554, MONDO:0009727, OMIM 256050.
Diastrophic dysplasia (DTD). Also called: Diastrophic dwarfism. Identifiers: Orphanet 628, MedGen C0220726, MONDO:0009107, OMIM 222600.
Multiple epiphyseal dysplasia type 4 (EDM4). Also called: SLC26A2-Related Multiple Epiphyseal Dysplasia; Multiple Epiphyseal Dysplasia, Recessive; MULTIPLE EPIPHYSEAL DYSPLASIA WITH BILAYERED PATELLAE; MULTIPLE EPIPHYSEAL DYSPLASIA WITH CLUBFOOT; MULTIPLE EPIPHYSEAL DYSPLASIA, AUTOSOMAL RECESSIVE. Identifiers: Orphanet 93307, MedGen C1847593, MONDO:0009189, OMIM 226900.

Allele frequency attached by ClinVar (database versions not stated): gnomAD exomes 0.00001 and 0.00004; gnomAD 0.00002 and 0.00003; ExAC 0.00003; TOPMed 0.00003.
gnomAD v4.1: 20 of 1,605,052 alleles (0.0012%); highest among the groups gnomAD compares: Admixed American, 0.017%; no homozygotes.

Submissions (2):

Labcorp Genetics (formerly Invitae), Labcorp
Classification: Uncertain significance for Atelosteogenesis type II; Multiple epiphyseal dysplasia type 4; Achondrogenesis, type IB; Diastrophic dysplasia. Last evaluated: 2025-01-14. Review status: criteria provided, single submitter. Criteria: Invitae Variant Classification Sherloc (09022015). Collection method: clinical testing. Allele origin: germline.
Comment: This sequence change replaces arginine, which is basic and polar, with cysteine, which is neutral and slightly polar, at codon 158 of the SLC26A2 protein (p.Arg158Cys). This variant is present in population databases (rs762787339, gnomAD 0.02%). This variant has not been reported in the literature in individuals affected with SLC26A2-related conditions. ClinVar contains an entry for this variant (Variation ID: 1410629). Invitae Evidence Modeling of protein sequence and biophysical properties (such as structural, functional, and spatial information, amino acid conservation, physicochemical variation, residue mobility, and thermodynamic stability) indicates that this missense variant is expected to disrupt SLC26A2 protein function with a positive predictive value of 80%. In summary, the available evidence is currently insufficient to determine the role of this variant in disease. Therefore, it has been classified as a Variant of Uncertain Significance.

Women's Health and Genetics/Laboratory Corporation of America, LabCorp
Classification: Uncertain significance. Last evaluated: 2022-07-12. Review status: criteria provided, single submitter. Criteria: LabCorp Variant Classification Summary - May 2015. Collection method: clinical testing. Allele origin: germline.
Comment: Variant summary: SLC26A2 c.472C>T (p.Arg158Cys) results in a non-conservative amino acid change located in the SLC26A/SulP transporter domain (IPR011547) of the encoded protein sequence. Five of five in-silico tools predict a damaging effect of the variant on protein function. The variant allele was found at a frequency of 4.1e-05 in 246256 control chromosomes (gnomAD). This frequency is not significantly higher than expected for a pathogenic variant in SLC26A2 causing Sulfate Transporter-Related Osteochondrodysplasia (4.1e-05 vs 0.003), allowing no conclusion about variant significance. To our knowledge, no occurrence of c.472C>T in individuals affected with Sulfate Transporter-Related Osteochondrodysplasia and no experimental evidence demonstrating its impact on protein function have been reported. One clinical diagnostic laboratory has submitted a clinical-significance assessment for this variant to ClinVar after 2014 without evidence for independent evaluation and classified the variant as uncertain significance. Based on the evidence outlined above, the variant was classified as uncertain significance.